The following is an entry in ClinVar:

NM_004281.4(BAG3):c.903del (p.Arg301fs)

Gene: BAG3 (BAG cochaperone 3; plus strand). Cytogenetic location: 10q26.11.
Variant type: Deletion.
Coding change: c.903del on transcript NM_004281.4 (MANE Select); coding-DNA position 903, one base deleted (G; older notation c.903delG).
Protein change: p.Arg301fs; shifts the reading frame from arginine 301.
Molecular consequence: frameshift variant.
Genome position (GRCh38, 1-based): chr10:119,672,650, G deleted; the last of 2 consecutive G bases (chr10:119,672,649-119,672,650); deleting either gives the same sequence. VCF-style (leftmost placement, unchanged base first): chr10-119672648-AG-A. GRCh37 (hg19) VCF-style: chr10-121432160-AG-A.
Other names: c.903delG (NM_004281.3); short protein forms R301fs.
Identifiers: ClinVar variation 5032686 (VCV005032686.1), dbSNP rs2134065483.

ClinVar aggregate classification (germline): Pathogenic (1 of 4 stars; one submission).

Conditions:
Cardiovascular phenotype. Identifiers: MedGen CN230736.

Submission:

Ambry Genetics
Classification: Pathogenic for Cardiovascular phenotype. Last evaluated: 2026-06-16. Review status: criteria provided, single submitter. Criteria: Ambry Variant Classification Scheme 2023. Collection method: clinical testing. Allele origin: germline.
Comment: The c.903delG pathogenic mutation, located in coding exon 3 of the BAG3 gene, results from a deletion of one nucleotide at nucleotide position 903, causing a translational frameshift with a predicted alternate stop codon (p.R301Sfs*6). This alteration occurs at the 3' terminus of theBAG3 gene, is not expected to trigger nonsense-mediated mRNA decay, and impacts the last 47% of the protein. However, premature stop codons are typically deleterious in nature and the impacted region is critical for protein function (Ambry internal data). This variant is considered to be rare based on population cohorts in the Genome Aggregation Database (gnomAD). Based on the supporting evidence, this variant is interpreted as a disease-causing mutation.